The following is an entry in ClinVar:

ClinVar aggregate classification (germline): Uncertain significance. Review status: criteria provided, multiple submitters, no conflicts (2 of 4 stars). 2 submissions from 2 submitters: Uncertain significance (2). Last evaluated 2024-06-16.

Conditions:
Hypertrophic cardiomyopathy 13. Also called: TNNC1-Related Familial Hypertrophic Cardiomyopathy. Identifiers: MedGen C2750472, MONDO:0013195, OMIM 613243.
Dilated cardiomyopathy 1Z (CMD1Z). Identifiers: Orphanet 154, MedGen C2678475, MONDO:0012745, OMIM 611879.

Allele frequency attached by ClinVar (database versions not stated): gnomAD 0.00001; TOPMed 0.00001.
gnomAD v4.1: 6 of 1,613,964 alleles (0.00037%); highest among the groups gnomAD compares: African/African-American, 0.004%; no homozygotes.

Submissions (2):

Labcorp Genetics (formerly Invitae), Labcorp
Classification: Uncertain significance for Hypertrophic cardiomyopathy 13; Dilated cardiomyopathy 1Z. Last evaluated: 2024-06-16. Review status: criteria provided, single submitter. Criteria: Invitae Variant Classification Sherloc (09022015). Collection method: clinical testing. Allele origin: germline.
Comment: This sequence change falls in intron 5 of the TNNC1 gene. It does not directly change the encoded amino acid sequence of the TNNC1 protein. It affects a nucleotide within the consensus splice site. This variant is present in population databases (no rsID available, gnomAD 0.007%). This variant has not been reported in the literature in individuals affected with TNNC1-related conditions. ClinVar contains an entry for this variant (Variation ID: 229326). Variants that disrupt the consensus splice site are a relatively common cause of aberrant splicing (PMID: 17576681, 9536098). Algorithms developed to predict the effect of sequence changes on RNA splicing suggest that this variant is not likely to affect RNA splicing. In summary, the available evidence is currently insufficient to determine the role of this variant in disease. Therefore, it has been classified as a Variant of Uncertain Significance.

Laboratory for Molecular Medicine, Mass General Brigham Personalized Medicine
Classification: Uncertain significance. Last evaluated: 2015-05-18. Review status: criteria provided, single submitter. Criteria: LMM Criteria. Collection method: clinical testing. Allele origin: germline. Observed: 1 variant allele.
Comment: The c.454+6C>G variant in TNNC1 has not been previously reported in individuals with cardiomyopathy or in large population studies. This variant is located in t he 5' splice region. Computational tools do not suggest an impact to splicing, t hough this information is not predictive enough to rule pathogenicity. In summar y, the clinical significance of the c.454+6C>G variant is uncertain.

Literature cited by the submitters: PubMed 17576681 (cited by Labcorp Genetics (formerly Invitae), Labcorp); PubMed 9536098 (cited by Labcorp Genetics (formerly Invitae), Labcorp).

NM_003280.3(TNNC1):c.454+6C>G

Gene: TNNC1 (troponin C1, slow skeletal and cardiac type; minus strand). Cytogenetic location: 3p21.1.
Variant type: single nucleotide variant.
Coding change: c.454+6C>G on transcript NM_003280.3 (MANE Select); 6 bases into the intron after coding-DNA position 454, C replaced by G.
Molecular consequence: intron variant.
Genome position (GRCh38, 1-based): chr3:52,451,385, G>C on the plus strand (C>G on the coding strand, the complement: TNNC1 is on the minus strand). VCF-style: chr3-52451385-G-C. GRCh37 (hg19) VCF-style: chr3-52485401-G-C.
Identifiers: ClinVar variation 229326 (VCV000229326.9), dbSNP rs750021293, ClinGen allele CA10576625.